The following is an entry in ClinVar:

NM_001429.4(EP300):c.2900T>G (p.Ile967Ser)

Genes: EP300 (EP300 lysine acetyltransferase; plus strand), LOC126863158 (BRD4-independent group 4 enhancer GRCh37_chr22:41547383-41548582; plus strand). Cytogenetic location: 22q13.2.
Variant type: single nucleotide variant.
Coding change: c.2900T>G on transcript NM_001429.4 (MANE Select); coding-DNA position 2900, T replaced by G.
Protein change: p.Ile967Ser; replaces isoleucine 967 with serine.
Molecular consequence: missense variant.
Genome position (GRCh38, 1-based): chr22:41,151,915, T>G. VCF-style: chr22-41151915-T-G. GRCh37 (hg19) VCF-style: chr22-41547919-T-G.
Other names: c.2822T>G, p.Ile941Ser (NM_001362843.2); short protein forms I941S, I967S.
Identifiers: ClinVar variation 3351204 (VCV003351204.3).
Genomic context (GRCh38, chr22:41,151,915, plus strand): 5'-TTGAAGGACAGGTATCAAATCCTCCATCTACTAGTAGCACAGAAGTGAATTCTCAGGCCA[T>G]TGCTGAGAAGCAGCCTTCCCAGGAAGTGAAGATGGAGGCCAAAATGGAAGTGGATCAACC-3'
Protein context (NP_001420.2, residues 957-977): TSSTEVNSQA[Ile967Ser]AEKQPSQEVK

ClinVar aggregate classification (germline): Likely benign. Review status: criteria provided, single submitter (1 of 4 stars). 2 submissions from 2 submitters: Likely benign (1). 1 of the submissions does not count toward it. Last evaluated 2025-01-07.

Conditions:
Rubinstein-Taybi syndrome due to EP300 haploinsufficiency. Also called: EP300-Related Rubinstein-Taybi Syndrome; RUBINSTEIN-TAYBI SYNDROME 2. Identifiers: Orphanet 353284, Orphanet 783, MedGen C3150941, MONDO:0013364, OMIM 613684.
EP300-related disorder. Also called: EP300-related condition; EP300-related disorders.

gnomAD v4.1: 30 of 1,613,832 alleles (0.0019%); highest among the groups gnomAD compares: Middle Eastern, 0.016%; no homozygotes.

Submissions (2):

Labcorp Genetics (formerly Invitae), Labcorp
Classification: Likely benign for Rubinstein-Taybi syndrome due to EP300 haploinsufficiency. Last evaluated: 2025-01-07. Review status: criteria provided, single submitter. Criteria: Invitae Variant Classification Sherloc (09022015). Collection method: clinical testing. Allele origin: germline.

PreventionGenetics, part of Exact Sciences
Classification: Likely benign for EP300-related condition. Last evaluated: 2022-11-29. Review status: no assertion criteria provided. Collection method: clinical testing. Allele origin: germline. Not counted in ClinVar's aggregate classification.
Comment: This variant is classified as likely benign based on ACMG/AMP sequence variant interpretation guidelines (Richards et al. 2015 PMID: 25741868, with internal and published modifications).